The following is an entry in ClinVar:

ClinVar aggregate classification (germline): Pathogenic (1 of 4 stars; one submission).

Submission:

Labcorp Genetics (formerly Invitae), Labcorp
Classification: Pathogenic. Last evaluated: 2023-06-05. Review status: criteria provided, single submitter. Criteria: Invitae Variant Classification Sherloc (09022015). Collection method: clinical testing. Allele origin: germline.
Comment: For these reasons, this variant has been classified as Pathogenic. This variant has not been reported in the literature in individuals affected with ITGB4-related conditions. This variant is not present in population databases (gnomAD no frequency). This sequence change creates a premature translational stop signal (p.Trp1306*) in the ITGB4 gene. It is expected to result in an absent or disrupted protein product. Loss-of-function variants in ITGB4 are known to be pathogenic (PMID: 11328943, 16473856).

Literature cited by the submitters: PubMed 11328943; PubMed 16473856.

NM_000213.5(ITGB4):c.3917G>A (p.Trp1306Ter)

Genes: GALK1 (galactokinase 1; minus strand), ITGB4 (integrin subunit beta 4; plus strand). Cytogenetic location: 17q25.1.
Variant type: single nucleotide variant.
Coding change: c.3917G>A on transcript NM_000213.5 (MANE Select); coding-DNA position 3917, G replaced by A.
Protein change: p.Trp1306Ter; replaces tryptophan 1306 with a stop codon.
Molecular consequence: nonsense. On other transcripts: intron variant (1).
Genome position (GRCh38, 1-based): chr17:75,752,297, G>A. VCF-style: chr17-75752297-G-A. GRCh37 (hg19) VCF-style: chr17-73748378-G-A.
Other names: c.3917G>A, p.Trp1306Ter (NM_001005619.2, NM_001005731.3, NM_001321123.2 and 1 more transcripts); c.*23-560C>T (NM_001381985.1); short protein forms W1306*.
Identifiers: ClinVar variation 2770264 (VCV002770264.3), dbSNP rs2545848982, ClinGen allele CA401080019.